The following is an entry in ClinVar:

NM_003458.4(BSN):c.1027C>T (p.Gln343Ter)

Gene: BSN (bassoon presynaptic cytomatrix protein; plus strand). Cytogenetic location: 3p21.31.
Variant type: single nucleotide variant.
Coding change: c.1027C>T on transcript NM_003458.4 (MANE Select); coding-DNA position 1027, C replaced by T.
Protein change: p.Gln343Ter; replaces glutamine 343 with a stop codon.
Molecular consequence: nonsense.
Genome position (GRCh38, 1-based): chr3:49,642,661, C>T. VCF-style: chr3-49642661-C-T. GRCh37 (hg19) VCF-style: chr3-49680094-C-T.
Other names: short protein forms Q343*.
Identifiers: ClinVar variation 3236611 (VCV003236611.1), dbSNP rs769282507, ClinGen allele CA352799739.

ClinVar aggregate classification (germline): Uncertain significance (1 of 4 stars; one submission).

Submission:

Clinical Genomics Laboratory, Washington University in St. Louis
Classification: Uncertain significance. Last evaluated: 2024-02-01. Review status: criteria provided, single submitter. Criteria: ACMG Guidelines, 2015. Collection method: clinical testing. Allele origin: germline.
Comment: The BSN c.1027C>T (p.Gln343Ter) variant, to our knowledge, has not been reported in the medical literature and is absent from the general population (gnomAD v.2.1.1), indicating it is not a common variant. This variant causes a stop gain, leading to a premature termination codon, which is predicted to lead to nonsense mediated decay. Due to limited information, the clinical significance of this variant is uncertain.